The following is an entry in ClinVar:

NM_000388.4(CASR):c.2405A>T (p.Asn802Ile)

Gene: CASR (calcium sensing receptor; plus strand). Cytogenetic location: 3q21.1.
Variant type: single nucleotide variant.
Coding change: c.2405A>T on transcript NM_000388.4 (MANE Select); coding-DNA position 2405, A replaced by T.
Protein change: p.Asn802Ile; replaces asparagine 802 with isoleucine.
Molecular consequence: missense variant.
Genome position (GRCh38, 1-based): chr3:122,284,359, A>T. VCF-style: chr3-122284359-A-T. GRCh37 (hg19) VCF-style: chr3-122003206-A-T.
Other names: c.2435A>T, p.Asn812Ile (NM_001178065.2); short protein forms N802I, N812I.
Identifiers: ClinVar variation 4851975 (VCV004851975.1).
Genomic context (GRCh38, chr3:122,284,359, plus strand): 5'-TGCTGGCTGCCATCTGCTTCTTCTTTGCCTTCAAGTCCCGGAAGCTGCCGGAGAACTTCA[A>T]TGAAGCCAAGTTCATCACCTTCAGCATGCTCATCTTCTTCATCGTCTGGATCTCCTTCAT-3'
Protein context (NP_000379.3, residues 792-812): FKSRKLPENF[Asn802Ile]EAKFITFSML

ClinVar aggregate classification (germline): Pathogenic (1 of 4 stars; one submission).

Submission:

Dasa
Classification: Pathogenic. Last evaluated: 2025-03-03. Review status: criteria provided, single submitter. Criteria: DASA Assertion Criteria. Collection method: clinical testing. Allele origin: germline.
Comment: NM_000388.4(CASR):c.2405A>T (p.Asn802Ile) is a missense variant that results in the substitution of asparagine with isoleucine. The affected residue or protein region has prior evidence supporting clinical relevance. Functional evidence supports a deleterious effect on the gene or gene product (PMID: 19179454; PMID: 23169696). This variant has been recurrently observed in individuals with related phenotype (PMID: 19179454; PMID: 23169696). Multiple computational predictions support a deleterious effect on the gene or gene product. The variant is present at low frequency in population datasets. Based on the available data, this variant is classified as pathogenic.

Literature cited by the submitters: PubMed 19179454; PubMed 23169696.